The following is an entry in ClinVar:

NM_004369.4(COL6A3):c.7282A>G (p.Ile2428Val)

Gene: COL6A3 (collagen type VI alpha 3 chain; minus strand). Cytogenetic location: 2q37.3.
Variant type: single nucleotide variant.
Coding change: c.7282A>G on transcript NM_004369.4 (MANE Select); coding-DNA position 7282, A replaced by G.
Protein change: p.Ile2428Val; replaces isoleucine 2428 with valine.
Molecular consequence: missense variant.
Genome position (GRCh38, 1-based): chr2:237,344,736, T>C on the plus strand (A>G on the coding strand, the complement: COL6A3 is on the minus strand). VCF-style: chr2-237344736-T-C. GRCh37 (hg19) VCF-style: chr2-238253379-T-C.
Other names: c.5461A>G, p.Ile1821Val (NM_057166.5); c.6664A>G, p.Ile2222Val (NM_057167.4); c.7282A>G (NM_004369.3); short protein forms I1821V, I2222V, I2428V.
Identifiers: ClinVar variation 1003566 (VCV001003566.12), dbSNP rs1462967965, ClinGen allele CA351204029.

ClinVar aggregate classification (germline): Uncertain significance. Review status: criteria provided, multiple submitters, no conflicts (2 of 4 stars). 3 submissions from 3 submitters: Uncertain significance (3). Last evaluated 2026-06-17.

Conditions:
Inborn genetic diseases. Identifiers: MedGen C0950123, MeSH D030342.
Bethlem myopathy 1A. Also called: Bethlem myopathy 1; MYOPATHY, BENIGN CONGENITAL, WITH CONTRACTURES; Bethlem Muscular Dystrophy. Identifiers: Orphanet 610, MedGen CN029274, MONDO:0024530, OMIM 158810.

Allele frequency attached by ClinVar (database versions not stated): gnomAD exomes below 0.00001; gnomAD 0.00001; TOPMed 0.00001.
gnomAD v4.1: 3 of 1,602,174 alleles (0.00019%); highest among the groups gnomAD compares: South Asian, 0.0011%; no homozygotes.

Submissions (3):

Ambry Genetics
Classification: Uncertain significance for Inborn genetic diseases. Last evaluated: 2026-06-17. Review status: criteria provided, single submitter. Criteria: Ambry Variant Classification Scheme 2023. Collection method: clinical testing. Allele origin: germline.

Revvity Omics, Revvity
Classification: Uncertain significance. Last evaluated: 2022-05-12. Review status: criteria provided, single submitter. Criteria: ACMG Guidelines, 2015. Collection method: clinical testing. Allele origin: germline.

Labcorp Genetics (formerly Invitae), Labcorp
Classification: Uncertain significance for Bethlem myopathy 1A. Last evaluated: 2020-08-01. Review status: criteria provided, single submitter. Criteria: Invitae Variant Classification Sherloc (09022015). Collection method: clinical testing. Allele origin: germline.
Comment: In summary, the available evidence is currently insufficient to determine the role of this variant in disease. Therefore, it has been classified as a Variant of Uncertain Significance. Algorithms developed to predict the effect of missense changes on protein structure and function output the following: SIFT: "Tolerated"; PolyPhen-2: "Not Available"; Align-GVGD: "Class C0". The valine amino acid residue is found in multiple mammalian species, suggesting that this missense change does not adversely affect protein function. These predictions have not been confirmed by published functional studies and their clinical significance is uncertain. This variant has not been reported in the literature in individuals with COL6A3-related disease. This variant is not present in population databases (ExAC no frequency). This sequence change replaces isoleucine with valine at codon 2428 of the COL6A3 protein (p.Ile2428Val). The isoleucine residue is weakly conserved and there is a small physicochemical difference between isoleucine and valine.